The following is an entry in ClinVar:

ClinVar aggregate classification (germline): Likely benign. Review status: criteria provided, multiple submitters, no conflicts (2 of 4 stars). 2 submissions from 2 submitters: Likely benign (2). Last evaluated 2025-03-31.

Conditions:
Cardiovascular phenotype. Identifiers: MedGen CN230736.
Arrhythmogenic cardiomyopathy with wooly hair and keratoderma. Also called: Carvajal syndrome; PALMOPLANTAR KERATODERMA WITH LEFT VENTRICULAR CARDIOMYOPATHY AND WOOLLY HAIR; Dilated cardiomyopathy with woolly hair and keratoderma; Arrhythmogenic cardiomyopathy with woolly hair and keratoderma. Identifiers: Orphanet 65282, MedGen C1854063, MONDO:0011581, OMIM 605676.

Submissions (2):

Ambry Genetics
Classification: Likely benign for Cardiovascular phenotype. Last evaluated: 2025-03-31. Review status: criteria provided, single submitter. Criteria: Ambry Variant Classification Scheme 2023. Collection method: clinical testing. Allele origin: germline.

All of Us Research Program, National Institutes of Health
Classification: Likely benign for Arrhythmogenic cardiomyopathy with wooly hair and keratoderma. Last evaluated: 2024-05-14. Review status: criteria provided, single submitter. Criteria: ACMG Guidelines, 2015. Collection method: clinical testing. Allele origin: germline. Inheritance: Autosomal dominant inheritance. Observed: 1 variant allele, 1 heterozygote.
Comment: This study involves interpretation of variants in research participants for the purpose of population health screening. Participant phenotype was not available at the time of variant classification. Additional details can be found in publication PMID: 35346344, PMCID: PMC8962531

NM_004415.4(DSP):c.4933A>C (p.Arg1645=)

Gene: DSP (desmoplakin; plus strand). Cytogenetic location: 6p24.3.
Variant type: single nucleotide variant.
Coding change: c.4933A>C on transcript NM_004415.4 (MANE Select); coding-DNA position 4933, A replaced by C.
Protein change: p.Arg1645=; no amino-acid change (arginine 1645 retained).
Molecular consequence: synonymous variant. On other transcripts: intron variant (2).
Genome position (GRCh38, 1-based): chr6:7,581,123, A>C. VCF-style: chr6-7581123-A-C. GRCh37 (hg19) VCF-style: chr6-7581356-A-C.
Other names: c.4050+883A>C (NM_001319034.2); c.3582+1351A>C (NM_001008844.3).
Identifiers: ClinVar variation 3386685 (VCV003386685.2).